The following is an entry in ClinVar:

NM_015046.7(SETX):c.93A>G (p.Gln31=)

Gene: SETX (senataxin; minus strand). Cytogenetic location: 9q34.13.
Variant type: single nucleotide variant.
Coding change: c.93A>G on transcript NM_015046.7 (MANE Select); coding-DNA position 93, A replaced by G.
Protein change: p.Gln31=; no amino-acid change (glutamine 31 retained).
Molecular consequence: synonymous variant.
Genome position (GRCh38, 1-based): chr9:132,349,336, T>C on the plus strand (A>G on the coding strand, the complement: SETX is on the minus strand). VCF-style: chr9-132349336-T-C. GRCh37 (hg19) VCF-style: chr9-135224723-T-C.
Other names: c.93A>G, p.Gln31= (NM_001351527.2, NM_001351528.2).
Identifiers: ClinVar variation 468529 (VCV000468529.12), dbSNP rs201795631, ClinGen allele CA5298133.

ClinVar aggregate classification (germline): Conflicting classifications of pathogenicity. Review status: criteria provided, conflicting classifications (1 of 4 stars). 3 submissions from 3 submitters: Uncertain significance (1); Benign (1); Likely benign (1). Last evaluated 2023-02-07.

Conditions:
SETX-related disorder. Also called: SETX-related condition; SETX-related disorders. Identifiers: MedGen CN239403.
Inborn genetic diseases. Identifiers: MedGen C0950123, MeSH D030342.
Amyotrophic lateral sclerosis type 4 (ALS4). Also called: NEURONOPATHY, DISTAL HEREDITARY MOTOR, WITH PYRAMIDAL FEATURES; AMYOTROPHIC LATERAL SCLEROSIS 4, JUVENILE. Identifiers: Orphanet 357043, MedGen C1865409, MONDO:0011223, OMIM 602433.
Spinocerebellar ataxia, autosomal recessive, with axonal neuropathy 2 (SCAN2). Also called: Ataxia-ocular apraxia-2; ATAXIA-OCULOMOTOR APRAXIA 2; Ataxia with Oculomotor Apraxia; Ataxia with Oculomotor Apraxia Type 2. Identifiers: Orphanet 64753, MedGen C1853761, MONDO:0018996, OMIM 606002.

Allele frequency attached by ClinVar (database versions not stated): gnomAD exomes below 0.00001; TOPMed 0.00002; gnomAD 0.00006.
gnomAD v4.1: 7 of 1,613,992 alleles (0.00043%); highest among the groups gnomAD compares: African/African-American, 0.0027%; no homozygotes.

Submissions (3):

PreventionGenetics, part of Exact Sciences
Classification: Uncertain significance for SETX-related condition. Last evaluated: 2023-02-07. Review status: criteria provided, single submitter. Criteria: ACMG Guidelines, 2015. Collection method: clinical testing. Allele origin: germline.
Comment: The SETX c.93A>G variant is not predicted to result in an amino acid change (p.=). This variant is predicted to generate a cryptic splice acceptor site within exon 3 (Alamut Visual Plus v1.6.1); however, in silico predictions are imperfect and not equivalent to functional evidence. To our knowledge, this variant has not been reported in the literature. It is reported in 0.0080% of alleles in individuals of African descent in gnomAD. At this time, the clinical significance of this variant is uncertain due to the absence of conclusive functional and genetic evidence.

Labcorp Genetics (formerly Invitae), Labcorp
Classification: Benign for Amyotrophic lateral sclerosis type 4; Spinocerebellar ataxia, autosomal recessive, with axonal neuropathy 2. Last evaluated: 2022-12-06. Review status: criteria provided, single submitter. Criteria: Invitae Variant Classification Sherloc (09022015). Collection method: clinical testing. Allele origin: germline.

Ambry Genetics
Classification: Likely benign for Inborn genetic diseases. Last evaluated: 2019-07-11. Review status: criteria provided, single submitter. Criteria: Ambry Variant Classification Scheme 2023. Collection method: clinical testing. Allele origin: germline.